The following is an entry in ClinVar:

NM_020921.4(NIN):c.2851C>T (p.Arg951Cys)

Gene: NIN (ninein; minus strand). Cytogenetic location: 14q22.1.
Variant type: single nucleotide variant.
Coding change: c.2851C>T on transcript NM_020921.4 (MANE Select); coding-DNA position 2851, C replaced by T.
Protein change: p.Arg951Cys; replaces arginine 951 with cysteine.
Molecular consequence: missense variant. On other transcripts: intron variant (1).
Genome position (GRCh38, 1-based): chr14:50,758,179, G>A on the plus strand (C>T on the coding strand, the complement: NIN is on the minus strand). VCF-style: chr14-50758179-G-A. GRCh37 (hg19) VCF-style: chr14-51224897-G-A.
Other names: c.2851C>T (NM_020921.3); c.2851C>T, p.Arg951Cys (NM_182944.3, NM_182946.2); c.2399+1678C>T (NM_016350.5); short protein forms R951C.
Identifiers: ClinVar variation 1915825 (VCV001915825.7), dbSNP rs1044200686, ClinGen allele CA260829545.
Genomic context (GRCh38, chr14:50,758,179, plus strand): 5'-TTTCCAGCCGCTGGCTGGCCAGCTGCTCCGAAGCCCCTGCCTGGCACAGGACCTCCTCAC[G>A]CTCCCTCAGTTCCCTTTTGTGACTGCTCTTCAGCTCAAGTATCTGGTCAGACAGCAGGCT-3'
Protein context (NP_065972.4, residues 941-961): KSSHKRELRE[Arg951Cys]EEVLCQAGAS

ClinVar aggregate classification (germline): Uncertain significance. Review status: criteria provided, multiple submitters, no conflicts (2 of 4 stars). 3 submissions from 3 submitters: Uncertain significance (3). Last evaluated 2025-11-26.

Allele frequency attached by ClinVar (database versions not stated): gnomAD 0.00003.
gnomAD v4.1: 20 of 1,614,028 alleles (0.0012%); highest among the groups gnomAD compares: Admixed American, 0.018%; 1 homozygote.

Submissions (3):

Women's Health and Genetics/Laboratory Corporation of America, LabCorp
Classification: Uncertain significance. Last evaluated: 2025-11-26. Review status: criteria provided, single submitter. Criteria: LabCorp Variant Classification Summary - May 2015. Collection method: clinical testing. Allele origin: germline.
Comment: Variant summary: NIN c.2851C>T (p.Arg951Cys) results in a non-conservative amino acid change in the encoded protein sequence. Algorithms developed to predict the effect of missense changes on protein structure and function are either unavailable or do not agree on the potential impact of this missense change. The variant allele was found at a frequency of 3.2e-05 in 251436 control chromosomes. The available data on variant occurrences in the general population are insufficient to allow any conclusion about variant significance. To our knowledge, no occurrence of c.2851C>T in individuals affected with NIN-related conditions and no experimental evidence demonstrating its impact on protein function have been reported. ClinVar contains an entry for this variant (Variation ID: 1915825). Based on the evidence outlined above, the variant was classified as uncertain significance.

Ambry Genetics
Classification: Uncertain significance. Last evaluated: 2025-04-27. Review status: criteria provided, single submitter. Criteria: Ambry Variant Classification Scheme 2023. Collection method: clinical testing. Allele origin: germline.

Labcorp Genetics (formerly Invitae), Labcorp
Classification: Uncertain significance. Last evaluated: 2025-01-11. Review status: criteria provided, single submitter. Criteria: Invitae Variant Classification Sherloc (09022015). Collection method: clinical testing. Allele origin: germline.
Comment: This sequence change replaces arginine, which is basic and polar, with cysteine, which is neutral and slightly polar, at codon 951 of the NIN protein (p.Arg951Cys). This variant is present in population databases (no rsID available, gnomAD 0.02%). This variant has not been reported in the literature in individuals affected with NIN-related conditions. ClinVar contains an entry for this variant (Variation ID: 1915825). An algorithm developed to predict the effect of missense changes on protein structure and function outputs the following: PolyPhen-2: "Benign". The cysteine amino acid residue is found in multiple mammalian species, which suggests that this missense change does not adversely affect protein function. In summary, the available evidence is currently insufficient to determine the role of this variant in disease. Therefore, it has been classified as a Variant of Uncertain Significance.